The following is an entry in ClinVar:

NM_000038.6(APC):c.1737T>C (p.Val579=)

Gene: APC (APC regulator of Wnt signaling pathway; plus strand). Cytogenetic location: 5q22.2.
Variant type: single nucleotide variant.
Coding change: c.1737T>C on transcript NM_000038.6 (MANE Select); coding-DNA position 1737, T replaced by C.
Protein change: p.Val579=; no amino-acid change (valine 579 retained).
Molecular consequence: synonymous variant.
Genome position (GRCh38, 1-based): chr5:112,828,966, T>C. VCF-style: chr5-112828966-T-C. GRCh37 (hg19) VCF-style: chr5-112164663-T-C.
Other names: c.1737T>C, p.Val579= (NM_001127510.3, NM_001354895.2); c.1683T>C, p.Val561= (NM_001127511.3); c.1791T>C, p.Val597= (NM_001354896.2); c.1767T>C, p.Val589= (NM_001354897.2); c.1662T>C, p.Val554= (NM_001354898.2); c.1653T>C, p.Val551= (NM_001354899.2); c.1614T>C, p.Val538= (NM_001354900.2); c.1560T>C, p.Val520= (NM_001354901.2); and 5 more.
Identifiers: ClinVar variation 1567678 (VCV001567678.12), dbSNP rs2149818517, ClinGen allele CA445757434.

ClinVar aggregate classification (germline): Benign/Likely benign. Review status: criteria provided, multiple submitters, no conflicts (2 of 4 stars). 4 submissions from 4 submitters: Benign (1); Likely benign (3). Last evaluated 2024-05-20.

Conditions:
Hereditary cancer-predisposing syndrome. Also called: Hereditary Cancer Syndrome; Hereditary neoplastic syndrome; Neoplastic Syndromes, Hereditary; Tumor predisposition. Identifiers: Orphanet 140162, MedGen C0027672, MeSH D009386, MONDO:0015356.
Familial adenomatous polyposis 1 (FAP1). Also called: FAMILIAL ADENOMATOUS POLYPOSIS 1, ATTENUATED; POLYPOSIS, ADENOMATOUS INTESTINAL. Identifiers: MedGen C2713442, MONDO:0021056, OMIM 175100. Disease mechanism: loss of function.

Submissions (4):

Labcorp Genetics (formerly Invitae), Labcorp
Classification: Likely benign for Familial adenomatous polyposis 1. Last evaluated: 2024-05-20. Review status: criteria provided, single submitter. Criteria: Invitae Variant Classification Sherloc (09022015). Collection method: clinical testing. Allele origin: germline.

Myriad Genetics, Inc.
Classification: Benign for Familial adenomatous polyposis 1. Last evaluated: 2024-03-06. Review status: criteria provided, single submitter. Criteria: Myriad Autosomal Dominant, Autosomal Recessive and X-Linked Classification Criteria (2023). Collection method: clinical testing. Allele origin: unknown.
Comment: This variant is considered benign. This variant is a silent/synonymous amino acid change and it is not expected to impact splicing.

Color Diagnostics, LLC DBA Color Health
Classification: Likely benign for Hereditary cancer-predisposing syndrome. Last evaluated: 2023-01-03. Review status: criteria provided, single submitter. Criteria: ACMG Guidelines, 2015. Collection method: clinical testing. Allele origin: germline.

Ambry Genetics
Classification: Likely benign for Hereditary cancer-predisposing syndrome. Last evaluated: 2022-05-18. Review status: criteria provided, single submitter. Criteria: Ambry Variant Classification Scheme 2023. Collection method: clinical testing. Allele origin: germline.